The following is an entry in ClinVar:

ClinVar aggregate classification (germline): Pathogenic (1 of 4 stars; one submission).

Conditions:
CHARGE syndrome (CHARGE). Also called: Hittner Hirsch Kreh syndrome; CHARGE ASSOCIATION--COLOBOMA, HEART ANOMALY, CHOANAL ATRESIA, RETARDATION, GENITAL AND EAR ANOMALIES; Coloboma, heart anomaly, choanal atresia, retardation, genital and ear anomalies; CHARGE association; Hall-Hittner syndrome. Identifiers: Orphanet 138, MedGen C0265354, MONDO:0008965.

Submission:

Labcorp Genetics (formerly Invitae), Labcorp
Classification: Pathogenic for CHARGE syndrome. Last evaluated: 2020-03-10. Review status: criteria provided, single submitter. Criteria: Invitae Variant Classification Sherloc (09022015). Collection method: clinical testing. Allele origin: germline.
Comment: This sequence change creates a premature translational stop signal (p.Val624Glufs*6) in the CHD7 gene. It is expected to result in an absent or disrupted protein product. This variant is not present in population databases (ExAC no frequency). This variant has not been reported in the literature in individuals with CHD7-related conditions. Loss-of-function variants in CHD7 are known to be pathogenic (PMID: 22461308, 25077900). For these reasons, this variant has been classified as Pathogenic.

Literature cited by the submitters: PubMed 22461308; PubMed 25077900.

NM_017780.4(CHD7):c.1871del (p.Val624fs)

Genes: CHD7 (chromodomain helicase DNA binding protein 7; plus strand), LOC126860403 (CDK7 strongly-dependent group 2 enhancer GRCh37_chr8:61693034-61694233; plus strand). Cytogenetic location: 8q12.2.
Variant type: Deletion.
Coding change: c.1871del on transcript NM_017780.4 (MANE Select); coding-DNA position 1871, one base deleted (T; older notation c.1871delT).
Protein change: p.Val624fs; shifts the reading frame from valine 624.
Molecular consequence: frameshift variant. On other transcripts: intron variant (1).
Genome position (GRCh38, 1-based): chr8:60,781,205, T deleted. VCF-style (leftmost placement, unchanged base first): chr8-60781204-GT-G. GRCh37 (hg19) VCF-style: chr8-61693763-GT-G.
Other names: c.1716+155del (NM_001316690.1); short protein forms V624fs.
Identifiers: ClinVar variation 1071795 (VCV001071795.7), dbSNP rs2150669574, ClinGen allele CA2499219362.